The following is an entry in ClinVar:

ClinVar aggregate classification (germline): Uncertain significance. Review status: criteria provided, multiple submitters, no conflicts (2 of 4 stars). 3 submissions from 3 submitters: Uncertain significance (3). Last evaluated 2025-06-18.

Conditions:
Hereditary cancer-predisposing syndrome. Also called: Tumor predisposition; Neoplastic Syndromes, Hereditary; Hereditary neoplastic syndrome; Hereditary Cancer Syndrome. Identifiers: Orphanet 140162, MedGen C0027672, MeSH D009386, MONDO:0015356.
Familial cancer of breast. Also called: Hereditary breast cancer; BREAST CANCER, FAMILIAL; hereditary breast carcinoma. Identifiers: Orphanet 227535, MedGen C0346153, MONDO:0016419, OMIM 114480. Disease mechanism: loss of function.

Allele frequency attached by ClinVar (database versions not stated): TOPMed 0.00001.
gnomAD v4.1: 2 of 1,613,982 alleles (0.00012%); highest among the groups gnomAD compares: East Asian, 0.0045%; no homozygotes.

Submissions (3):

Labcorp Genetics (formerly Invitae), Labcorp
Classification: Uncertain significance for Familial cancer of breast. Last evaluated: 2025-06-18. Review status: criteria provided, single submitter. Criteria: Invitae Variant Classification Sherloc (09022015). Collection method: clinical testing. Allele origin: germline.
Comment: This sequence change replaces cysteine, which is neutral and slightly polar, with glycine, which is neutral and non-polar, at codon 243 of the CHEK2 protein (p.Cys243Gly). This variant is not present in population databases (gnomAD no frequency). This variant has not been reported in the literature in individuals affected with CHEK2-related conditions. ClinVar contains an entry for this variant (Variation ID: 1018860). An algorithm developed to predict the effect of missense changes on protein structure and function (PolyPhen-2) suggests that this variant is likely to be disruptive. Algorithms developed to predict the effect of sequence changes on RNA splicing suggest that this variant may disrupt the consensus splice site. In summary, the available evidence is currently insufficient to determine the role of this variant in disease. Therefore, it has been classified as a Variant of Uncertain Significance.

Ambry Genetics
Classification: Uncertain significance for Hereditary cancer-predisposing syndrome. Last evaluated: 2023-10-24. Review status: criteria provided, single submitter. Criteria: Ambry Variant Classification Scheme 2023. Collection method: clinical testing. Allele origin: germline.
Comment: The p.C243G variant (also known as c.727T>G), located in coding exon 5 of the CHEK2 gene, results from a T to G substitution at nucleotide position 727. The cysteine at codon 243 is replaced by glycine, an amino acid with highly dissimilar properties. This nucleotide position is highly conserved in available vertebrate species. In silico splice site analysis predicts that this alteration will result in the creation or strengthening of a novel splice donor site. RNA studies have demonstrated that this alteration results in an incomplete splice defect; the clinical impact of this abnormal splicing is unknown at this time (Ambry internal data). This amino acid position is highly conserved in available vertebrate species. In addition, the in silico prediction for this alteration is inconclusive. Since supporting evidence is limited at this time, the clinical significance of this alteration remains unclear.

GeneDx
Classification: Uncertain significance. Last evaluated: 2019-05-14. Review status: criteria provided, single submitter. Criteria: GeneDx Variant Classification Process June 2021. Collection method: clinical testing. Allele origin: germline. Affected: yes.
Comment: Not observed in large population cohorts (Lek et al., 2016); Has not been previously published as pathogenic or benign to our knowledge

NM_007194.4(CHEK2):c.727T>G (p.Cys243Gly)

Gene: CHEK2 (checkpoint kinase 2; minus strand). Cytogenetic location: 22q12.1.
Variant type: single nucleotide variant.
Coding change: c.727T>G on transcript NM_007194.4 (MANE Select); coding-DNA position 727, T replaced by G.
Protein change: p.Cys243Gly; replaces cysteine 243 with glycine.
Molecular consequence: missense variant.
Genome position (GRCh38, 1-based): chr22:28,711,974, A>C on the plus strand (T>G on the coding strand, the complement: CHEK2 is on the minus strand). VCF-style: chr22-28711974-A-C. GRCh37 (hg19) VCF-style: chr22-29107962-A-C.
Other names: c.856T>G, p.Cys286Gly (NM_001005735.3); c.64T>G, p.Cys22Gly (NM_001257387.3); c.526T>G, p.Cys176Gly (NM_001349956.3); c.727T>G, p.Cys243Gly (NM_145862.3); short protein forms C176G, C22G, C243G, C286G.
Identifiers: ClinVar variation 1018860 (VCV001018860.13), dbSNP rs141776984, ClinGen allele CA411103319.
Genomic context (GRCh38, chr22:28,711,974, plus strand): 5'-CTCTTGCTGAACCAATAGCAAACTTCCTTTTGCTGATGATCTTTATGGCTACTTTCTTAC[A>C]TGTTTTCCTCTCGAAAGCCAGCTTTACCTCTCCACAGGCACCACTAGAGGGAAAAACAAA-3'
Protein context (NP_009125.1, residues 233-253): EVKLAFERKT[Cys243Gly]KKVAIKIISK